The following is an entry in ClinVar:

ClinVar aggregate classification (germline): Uncertain significance (1 of 4 stars; one submission).

gnomAD v4.1: 23 of 1,613,930 alleles (0.0014%); highest among the groups gnomAD compares: Non-Finnish European, 0.0019%; no homozygotes.

Submission:

GeneDx
Classification: Uncertain significance. Last evaluated: 2023-07-20. Review status: criteria provided, single submitter. Criteria: GeneDx Variant Classification Process June 2021. Collection method: clinical testing. Allele origin: germline. Affected: yes.
Comment: Identified in an individual with CADASIL; however, authors note that this variant does not result in a gain or loss of a cysteine residue, which is the primary disease mechanism for CADASIL (Dunn et al., 2020); Not observed at significant frequency in large population cohorts (gnomAD); In silico analysis supports that this missense variant does not alter protein structure/function; This variant is associated with the following publications: (PMID: 31915071)

NM_000435.3(NOTCH3):c.1759C>A (p.Arg587Ser)

Gene: NOTCH3 (notch receptor 3; minus strand). Cytogenetic location: 19p13.12.
Variant type: single nucleotide variant.
Coding change: c.1759C>A on transcript NM_000435.3 (MANE Select); coding-DNA position 1759, C replaced by A.
Protein change: p.Arg587Ser; replaces arginine 587 with serine.
Molecular consequence: missense variant.
Genome position (GRCh38, 1-based): chr19:15,187,186, G>T on the plus strand (C>A on the coding strand, the complement: NOTCH3 is on the minus strand). VCF-style: chr19-15187186-G-T. GRCh37 (hg19) VCF-style: chr19-15297997-G-T.
Other names: short protein forms R587S.
Identifiers: ClinVar variation 3340852 (VCV003340852.1).